The following is an entry in ClinVar:

NM_000419.5(ITGA2B):c.1846G>A (p.Val616Met)

Gene: ITGA2B (integrin subunit alpha 2b; minus strand). Cytogenetic location: 17q21.31.
Variant type: single nucleotide variant.
Coding change: c.1846G>A on transcript NM_000419.5 (MANE Select); coding-DNA position 1846, G replaced by A.
Protein change: p.Val616Met; replaces valine 616 with methionine.
Molecular consequence: missense variant.
Genome position (GRCh38, 1-based): chr17:44,379,721, C>T on the plus strand (G>A on the coding strand, the complement: ITGA2B is on the minus strand). VCF-style: chr17-44379721-C-T. GRCh37 (hg19) VCF-style: chr17-42457089-C-T.
Other names: p.Val616Met; c.1846G>A (NM_000419.4); short protein forms V616M.
Identifiers: ClinVar variation 891088 (VCV000891088.13), dbSNP rs141885563, ClinGen allele CA8602929.

ClinVar aggregate classification (germline): Benign/Likely benign. Review status: criteria provided, multiple submitters, no conflicts (2 of 4 stars). 6 submissions from 6 submitters: Benign (4); Likely benign (1). 1 of the submissions does not count toward it. Last evaluated 2025-12-19.

Conditions:
ITGA2B-related disorder. Also called: ITGA2B-related condition; ITGA2B-related disorders.
Glanzmann thrombasthenia. Also called: THROMBASTHENIA OF GLANZMANN AND NAEGELI; Thrombasthenia; PLATELET GLYCOPROTEIN IIb-IIIa DEFICIENCY; Glanzmann's thrombasthenia. Identifiers: Orphanet 849, MedGen C0040015, MONDO:0100326.

Allele frequency attached by ClinVar (database versions not stated): gnomAD exomes 0.00088; ExAC 0.00105; 1000 Genomes Project 0.00240; 1000 Genomes Project 30x 0.00265; ESP Exome Variant Server 0.00269; TOPMed 0.00346.
gnomAD v4.1: 955 of 1,613,954 alleles (0.059%); highest among the groups gnomAD compares: African/African-American, 1.1%; 10 homozygotes.

Submissions (6):

Labcorp Genetics (formerly Invitae), Labcorp
Classification: Benign for Glanzmann thrombasthenia. Last evaluated: 2025-12-19. Review status: criteria provided, single submitter. Criteria: Invitae Variant Classification Sherloc (09022015). Collection method: clinical testing. Allele origin: germline.

Blueprint Genetics
Classification: Likely benign. Last evaluated: 2024-11-07. Review status: criteria provided, single submitter. Criteria: ACMG Guidelines, 2015. Collection method: clinical testing. Allele origin: germline.

Mayo Clinic Laboratories, Mayo Clinic
Classification: Benign. Last evaluated: 2024-05-23. Review status: criteria provided, single submitter. Criteria: ACMG Guidelines, 2015. Collection method: clinical testing. Allele origin: germline. Observed: 3 variant alleles.
Comment: BS1, BS2, BP4

Illumina Laboratory Services, Illumina
Classification: Benign for Glanzmann thrombasthenia 1. Last evaluated: 2018-01-13. Review status: criteria provided, single submitter. Criteria: ICSL Variant Classification Criteria 13 December 2019. Collection method: clinical testing. Allele origin: germline.
Comment: This variant was observed in the ICSL laboratory as part of a predisposition screen in an ostensibly healthy population. It had not been previously curated by ICSL or reported in the Human Gene Mutation Database (HGMD: prior to June 1st, 2018), and was therefore a candidate for classification through an automated scoring system. Utilizing variant allele frequency, disease prevalence and penetrance estimates, and inheritance mode, an automated score was calculated to assess if this variant is too frequent to cause the disease. Based on the score and internal cut-off values, a variant classified as benign is not then subjected to further curation. The score for this variant resulted in a classification of benign for this disease.

Breakthrough Genomics
Classification: Benign. Review status: criteria provided, single submitter. Criteria: ACMG Guidelines, 2015. Collection method: not provided. Allele origin: germline. Inheritance: Autosomal recessive inheritance. Affected: yes.

PreventionGenetics, part of Exact Sciences
Classification: Likely benign for ITGA2B-related condition. Last evaluated: 2021-02-09. Review status: no assertion criteria provided. Collection method: clinical testing. Allele origin: germline. Not counted in ClinVar's aggregate classification.
Comment: This variant is classified as likely benign based on ACMG/AMP sequence variant interpretation guidelines (Richards et al. 2015 PMID: 25741868, with internal and published modifications).